The following is an entry in ClinVar:

NM_001375567.1(FOCAD):c.3165T>C (p.Ile1055=)

Gene: FOCAD (focadhesin; plus strand). Cytogenetic location: 9p21.3.
Variant type: single nucleotide variant.
Coding change: c.3165T>C on transcript NM_001375567.1 (MANE Select); coding-DNA position 3165, T replaced by C.
Protein change: p.Ile1055=; no amino-acid change (isoleucine 1055 retained).
Molecular consequence: synonymous variant.
Genome position (GRCh38, 1-based): chr9:20,929,444, T>C. VCF-style: chr9-20929444-T-C. GRCh37 (hg19) VCF-style: chr9-20929443-T-C.
Other names: c.3060T>C, p.Ile1020= (NM_001375568.1, NM_001375570.1); c.3165T>C, p.Ile1055= (NM_017794.5).
Identifiers: ClinVar variation 3030271 (VCV003030271.4), dbSNP rs1433173862, ClinGen allele CA464056288.

ClinVar aggregate classification (germline): Likely benign. Review status: criteria provided, single submitter (1 of 4 stars). 2 submissions from 2 submitters: Likely benign (1). 1 of the submissions does not count toward it. Last evaluated 2024-05-16.

Conditions:
FOCAD-related disorder. Also called: FOCAD-related condition.

Allele frequency attached by ClinVar (database versions not stated): gnomAD exomes below 0.00001; TOPMed below 0.00001; gnomAD 0.00001.
gnomAD v4.1: 7 of 1,614,066 alleles (0.00043%); highest among the groups gnomAD compares: African/African-American, 0.0027%; no homozygotes.

Submissions (2):

Labcorp Genetics (formerly Invitae), Labcorp
Classification: Likely benign. Last evaluated: 2024-05-16. Review status: criteria provided, single submitter. Criteria: Invitae Variant Classification Sherloc (09022015). Collection method: clinical testing. Allele origin: germline.

PreventionGenetics, part of Exact Sciences
Classification: Likely benign for FOCAD-related condition. Last evaluated: 2023-05-22. Review status: no assertion criteria provided. Collection method: clinical testing. Allele origin: germline. Not counted in ClinVar's aggregate classification.
Comment: This variant is classified as likely benign based on ACMG/AMP sequence variant interpretation guidelines (Richards et al. 2015 PMID: 25741868, with internal and published modifications).